The following is an entry in ClinVar:

NM_198282.4(STING1):c.1084G>A (p.Glu362Lys)

Gene: STING1 (stimulator of interferon response cGAMP interactor 1; minus strand). Cytogenetic location: 5q31.2.
Variant type: single nucleotide variant.
Coding change: c.1084G>A on transcript NM_198282.4 (MANE Select); coding-DNA position 1084, G replaced by A.
Protein change: p.Glu362Lys; replaces glutamic acid 362 with lysine.
Molecular consequence: missense variant. On other transcripts: 3 prime UTR variant (1).
Genome position (GRCh38, 1-based): chr5:139,476,317, C>T on the plus strand (G>A on the coding strand, the complement: STING1 is on the minus strand). VCF-style: chr5-139476317-C-T. GRCh37 (hg19) VCF-style: chr5-138855902-C-T.
Other names: c.*45G>A (NM_001301738.2); c.727G>A, p.Glu243Lys (NM_001367258.1); short protein forms E362K, E243K.
Identifiers: ClinVar variation 1904199 (VCV001904199.5), dbSNP rs749761756, ClinGen allele CA128747802.

ClinVar aggregate classification (germline): Uncertain significance (1 of 4 stars; one submission).

Conditions:
STING-associated vasculopathy with onset in infancy. Also called: Sting-associated vasculopathy, infantile-onset. Identifiers: Orphanet 425120, MedGen C4014722, MONDO:0014405, OMIM 615934.

Allele frequency attached by ClinVar (database versions not stated): gnomAD exomes 0.00001; TOPMed below 0.00001; gnomAD 0.00001.
gnomAD v4.1: 7 of 1,611,080 alleles (0.00043%); highest among the groups gnomAD compares: Admixed American, 0.0033%; no homozygotes.

Submission:

Labcorp Genetics (formerly Invitae), Labcorp
Classification: Uncertain significance for STING-associated vasculopathy with onset in infancy. Last evaluated: 2022-10-20. Review status: criteria provided, single submitter. Criteria: Invitae Variant Classification Sherloc (09022015). Collection method: clinical testing. Allele origin: germline.
Comment: This sequence change replaces glutamic acid, which is acidic and polar, with lysine, which is basic and polar, at codon 362 of the TMEM173 protein (p.Glu362Lys). The frequency data for this variant in the population databases is considered unreliable, as metrics indicate poor data quality at this position in the gnomAD database. This variant has not been reported in the literature in individuals affected with TMEM173-related conditions. Algorithms developed to predict the effect of missense changes on protein structure and function output the following: SIFT: "Tolerated"; PolyPhen-2: "Benign"; Align-GVGD: "Class C0". The lysine amino acid residue is found in multiple mammalian species, which suggests that this missense change does not adversely affect protein function. In summary, the available evidence is currently insufficient to determine the role of this variant in disease. Therefore, it has been classified as a Variant of Uncertain Significance.